The following is an entry in ClinVar:

ClinVar aggregate classification (germline): Uncertain significance (1 of 4 stars; one submission).

Conditions:
COL17A1-related disorder. Also called: COL17A1-related condition.

gnomAD v4.1: 17 of 1,613,920 alleles (0.0011%); highest among the groups gnomAD compares: Admixed American, 0.0083%; no homozygotes.

Submission:

PreventionGenetics, part of Exact Sciences
Classification: Uncertain significance for COL17A1-related condition. Last evaluated: 2026-04-13. Review status: criteria provided, single submitter. Criteria: ACMG Guidelines, 2015. Collection method: clinical testing. Allele origin: germline.
Comment: The COL17A1 c.2815A>G variant is predicted to result in the amino acid substitution p.Thr939Ala. To our knowledge, this variant has not been reported in the literature. This variant is reported in 0.012% of alleles in individuals of Latino descent in gnomAD. At this time, the clinical significance of this variant is uncertain due to the absence of conclusive functional and genetic evidence.

NM_000494.4(COL17A1):c.2815A>G (p.Thr939Ala)

Gene: COL17A1 (collagen type XVII alpha 1 chain; minus strand). Cytogenetic location: 10q25.1.
Variant type: single nucleotide variant.
Coding change: c.2815A>G on transcript NM_000494.4 (MANE Select); coding-DNA position 2815, A replaced by G.
Protein change: p.Thr939Ala; replaces threonine 939 with alanine.
Molecular consequence: missense variant.
Genome position (GRCh38, 1-based): chr10:104,039,614, T>C on the plus strand (A>G on the coding strand, the complement: COL17A1 is on the minus strand). VCF-style: chr10-104039614-T-C. GRCh37 (hg19) VCF-style: chr10-105799372-T-C.
Other names: short protein forms T939A.
Identifiers: ClinVar variation 4989070 (VCV004989070.1).
Genomic context (GRCh38, chr10:104,039,614, plus strand): 5'-AGGGTTTGGAGAGGCTCTGGCCAGAGCCAGAATGGGGCGGGGTTCAGCCCTTACCTGAGG[T>C]TGAGAAACCTGGGAGGCCTTGCTCGCCTGAGGAACACACCAAGGGAGGGACAGTCAGCCT-3'
Protein context (NP_000485.3, residues 929-949): QGEQGLPGFS[Thr939Ala]SGSSSFGLNL